The following is an entry in ClinVar:

ClinVar aggregate classification (germline): Uncertain significance (1 of 4 stars; one submission).

Submission:

Ambry Genetics
Classification: Uncertain significance. Last evaluated: 2022-08-16. Review status: criteria provided, single submitter. Criteria: Ambry Variant Classification Scheme 2023. Collection method: clinical testing. Allele origin: germline.
Comment: The p.S208F variant (also known as c.623C>T), located in coding exon 7 of the FAM175A gene, results from a C to T substitution at nucleotide position 623. The serine at codon 208 is replaced by phenylalanine, an amino acid with highly dissimilar properties. This amino acid position is conserved. In addition, this alteration is predicted to be tolerated by in silico analysis. Since supporting evidence is limited at this time, the clinical significance of this alteration remains unclear.

NM_139076.3(ABRAXAS1):c.623C>T (p.Ser208Phe)

Gene: ABRAXAS1 (abraxas 1, BRCA1 A complex subunit; minus strand). Cytogenetic location: 4q21.23.
Variant type: single nucleotide variant.
Coding change: c.623C>T on transcript NM_139076.3 (MANE Select); coding-DNA position 623, C replaced by T.
Protein change: p.Ser208Phe; replaces serine 208 with phenylalanine.
Molecular consequence: missense variant.
Genome position (GRCh38, 1-based): chr4:83,467,512, G>A on the plus strand (C>T on the coding strand, the complement: ABRAXAS1 is on the minus strand). VCF-style: chr4-83467512-G-A. GRCh37 (hg19) VCF-style: chr4-84388665-G-A.
Other names: c.296C>T, p.Ser99Phe (NM_001345962.2); short protein forms S208F, S99F.
Identifiers: ClinVar variation 1799985 (VCV001799985.2), dbSNP rs1722417453, ClinGen allele CA357258851.